The following is an entry in ClinVar:

ClinVar aggregate classification (germline): Uncertain significance. Review status: criteria provided, multiple submitters, no conflicts (2 of 4 stars). 2 submissions from 2 submitters: Uncertain significance (2). Last evaluated 2024-10-23.

Conditions:
Hereditary cancer-predisposing syndrome. Also called: Hereditary neoplastic syndrome; Neoplastic Syndromes, Hereditary; Tumor predisposition; Hereditary Cancer Syndrome. Identifiers: Orphanet 140162, MedGen C0027672, MeSH D009386, MONDO:0015356.

Submissions (2):

Ambry Genetics
Classification: Uncertain significance for Hereditary cancer-predisposing syndrome. Last evaluated: 2024-10-23. Review status: criteria provided, single submitter. Criteria: Ambry Variant Classification Scheme 2023. Collection method: clinical testing. Allele origin: germline.
Comment: The c.2531_2533delGTCinsTTT variant (also known as p.S844I), located in coding exon 16 of the CDH1 gene, results from an in-frame deletion of GTC and insertion of TTT at nucleotide positions 2531 to 2533. This results in the substitution of the serine residue for an isoleucine residue at codon 844, an amino acid with dissimilar properties. This amino acid position is highly conserved in available vertebrate species. In addition, the in silico prediction for this alteration is inconclusive (Choi Y et al. PLoS ONE. 2012; 7(10):e46688). Since supporting evidence is limited at this time, the clinical significance of this alteration remains unclear.

GeneDx
Classification: Uncertain significance. Last evaluated: 2019-06-07. Review status: criteria provided, single submitter. Criteria: GeneDx Variant Classification Process June 2021. Collection method: clinical testing. Allele origin: germline. Affected: yes.
Comment: Not observed in large population cohorts (Lek et al., 2016); Has not been previously published as pathogenic or benign to our knowledge

NM_004360.5(CDH1):c.2531_2533delinsTTT (p.Ser844Ile)

Gene: CDH1 (cadherin 1; plus strand). Cytogenetic location: 16q22.1.
Variant type: Indel.
Coding change: c.2531_2533delinsTTT on transcript NM_004360.5 (MANE Select); coding-DNA positions 2531 to 2533, GTC replaced by TTT.
Protein change: p.Ser844Ile; replaces serine 844 with isoleucine.
Molecular consequence: missense variant.
Genome position (GRCh38, 1-based): chr16:68,833,381-68,833,383, GTC replaced by TTT. VCF-style: chr16-68833381-GTC-TTT. GRCh37 (hg19) VCF-style: chr16-68867284-GTC-TTT.
Other names: c.2348_2350delinsTTT, p.Ser783Ile (NM_001317184.2); c.983_985delinsTTT, p.Ser328Ile (NM_001317185.2); c.566_568delinsTTT, p.Ser189Ile (NM_001317186.2); c.2531_2533delGTCinsTTT (NM_004360.3); short protein forms S189I, S328I, S783I, S844I.
Identifiers: ClinVar variation 1316954 (VCV001316954.5), dbSNP rs2152144007, ClinGen allele CA913188736.